The following is an entry in ClinVar:

ClinVar aggregate classification (germline): Uncertain significance (1 of 4 stars; one submission).

Conditions:
Diamond-Blackfan anemia. Also called: Blackfan Diamond syndrome; Aregenerative anemia chronic congenital; Red cell aplasia, pure hereditary; Congenital hypoplastic anemia; Aase syndrome. Identifiers: Orphanet 124, MedGen C1260899, MeSH D029503, MONDO:0015253, HP:0004810.
GATA binding protein 1 related thrombocytopenia with dyserythropoiesis. Also called: GATA1-Related Cytopenia; GATA1-Related X-Linked Cytopenia. Identifiers: MedGen C1845837, MONDO:0100089.

Submission:

Labcorp Genetics (formerly Invitae), Labcorp
Classification: Uncertain significance for GATA binding protein 1 related thrombocytopenia with dyserythropoiesis; Diamond-Blackfan anemia. Last evaluated: 2025-10-12. Review status: criteria provided, single submitter. Criteria: Invitae Variant Classification Sherloc (09022015). Collection method: clinical testing. Allele origin: germline.
Comment: This sequence change replaces glutamine, which is neutral and polar, with histidine, which is basic and polar, at codon 303 of the GATA1 protein (p.Gln303His). This variant is not present in population databases (gnomAD no frequency). This variant has not been reported in the literature in individuals affected with GATA1-related conditions. Invitae Evidence Modeling of protein sequence and biophysical properties (such as structural, functional, and spatial information, amino acid conservation, physicochemical variation, residue mobility, and thermodynamic stability) has been performed for this missense variant. However, the output from this modeling did not meet the statistical confidence thresholds required to predict the impact of this variant on GATA1 protein function. In summary, the available evidence is currently insufficient to determine the role of this variant in disease. Therefore, it has been classified as a Variant of Uncertain Significance.

NM_002049.4(GATA1):c.909G>T (p.Gln303His)

Gene: GATA1 (GATA binding protein 1; plus strand). Cytogenetic location: Xp11.23.
Variant type: single nucleotide variant.
Coding change: c.909G>T on transcript NM_002049.4 (MANE Select); coding-DNA position 909, G replaced by T.
Protein change: p.Gln303His; replaces glutamine 303 with histidine.
Molecular consequence: missense variant.
Genome position (GRCh38, 1-based): chrX:48,793,831, G>T. VCF-style: chrX-48793831-G-T. GRCh37 (hg19) VCF-style: chrX-48652238-G-T.
Other names: short protein forms Q303H.
Identifiers: ClinVar variation 4783757 (VCV004783757.1).